The following is an entry in ClinVar:

NM_133259.4(LRPPRC):c.3854C>G (p.Pro1285Arg)

Gene: LRPPRC (leucine rich pentatricopeptide repeat containing; minus strand). Cytogenetic location: 2p21.
Variant type: single nucleotide variant.
Coding change: c.3854C>G on transcript NM_133259.4 (MANE Select); coding-DNA position 3854, C replaced by G.
Protein change: p.Pro1285Arg; replaces proline 1285 with arginine.
Molecular consequence: missense variant.
Genome position (GRCh38, 1-based): chr2:43,896,680, G>C on the plus strand (C>G on the coding strand, the complement: LRPPRC is on the minus strand). VCF-style: chr2-43896680-G-C. GRCh37 (hg19) VCF-style: chr2-44123819-G-C.
Other names: p.Pro1285Arg; short protein forms P1285R.
Identifiers: ClinVar variation 3380805 (VCV003380805.1).
Genomic context (GRCh38, chr2:43,896,680, plus strand): 5'-GTAAAGCACAGTACCTTTCCTTGTTTCCTAGAATTCCTAAGGAGGAACAACAACAAAATC[G>C]GGGTTTGTTCAGCAATTGCACCACATCTCTAAAAATTAAAACATTATTCAGTAAGTGAAG-3'
Protein context (NP_573566.2, residues 1275-1295): QRCGAIAEQT[Pro1285Arg]ILLLFLLRNS

ClinVar aggregate classification (germline): Uncertain significance (1 of 4 stars; one submission).

gnomAD v4.1: 44 of 1,612,384 alleles (0.0027%); highest among the groups gnomAD compares: African/African-American, 0.051%; no homozygotes.

Submission:

Mayo Clinic Laboratories, Mayo Clinic
Classification: Uncertain significance. Last evaluated: 2024-07-16. Review status: criteria provided, single submitter. Criteria: ACMG Guidelines, 2015. Collection method: clinical testing. Allele origin: germline. Observed: 1 variant allele.
Comment: BP4